The following is an entry in ClinVar:

ClinVar aggregate classification (germline): Uncertain significance (1 of 4 stars; one submission).

Submission:

Women's Health and Genetics/Laboratory Corporation of America, LabCorp
Classification: Uncertain significance. Last evaluated: 2025-09-12. Review status: criteria provided, single submitter. Criteria: LabCorp Variant Classification Summary - May 2015. Collection method: clinical testing. Allele origin: germline.
Comment: Variant summary: COL7A1 c.5308-3dupC alters a nucleotide located close to a canonical splice site and therefore could affect mRNA splicing, leading to a significantly altered protein sequence. Consensus agreement among computation tools predict no significant impact on normal splicing. However, these predictions have yet to be confirmed by functional studies. The variant was absent in 251196 control chromosomes. The available data on variant occurrences in the general population are insufficient to allow any conclusion about variant significance. To our knowledge, no occurrence of c.5308-3dupC in individuals affected with COL7A1-related conditions and no experimental evidence demonstrating its impact on protein function have been reported. No submitters have cited clinical-significance assessments for this variant to ClinVar. Based on the evidence outlined above, the variant was classified as uncertain significance.

NM_000094.4(COL7A1):c.5308-3dup

Gene: COL7A1 (collagen type VII alpha 1 chain; minus strand). Cytogenetic location: 3p21.31.
Variant type: Duplication.
Coding change: c.5308-3dup on transcript NM_000094.4 (MANE Select); 3 bases into the intron before coding-DNA position 5308, one base duplicated (C; older notation c.5308-3dupC).
Molecular consequence: intron variant.
Genome position (GRCh38, 1-based): chr3:48,579,280, G duplicated on the plus strand (C on the coding strand, the reverse complement: COL7A1 is on the minus strand). VCF-style (leftmost placement, unchanged base first): chr3-48579279-T-TG. GRCh37 (hg19) VCF-style: chr3-48616712-T-TG.
Other names: c.5308-3dupC (NM_000094.4).
Identifiers: ClinVar variation 4535548 (VCV004535548.1).
Genomic context (GRCh38, chr3:48,579,279, plus strand): 5'-GCTCCTGGTTTCCCATCCAGTCCGCTCCGGCCATCCAGCCCAGGGGGACCCCGGTCACCC[T>TG]GTGGAAAATAGAGTGGTAAGAGGCCACCAAGGCTGAGGTGGATCTGATAACCCAGGCTCA-3'